The following is an entry in ClinVar:

ClinVar aggregate classification (germline): Likely benign (0 of 4 stars; one submission).

Conditions:
KCNQ1-related disorder. Also called: KCNQ1-related disorders; KCNQ1-related condition. Identifiers: MedGen CN239322.

Allele frequency attached by ClinVar (database versions not stated): gnomAD 0.00001; TOPMed 0.00001.
gnomAD v4.1: 7 of 398,602 alleles (0.0018%); highest among the groups gnomAD compares: Admixed American, 0.0044%; no homozygotes.

Submission:

PreventionGenetics, part of Exact Sciences
Classification: Likely benign for KCNQ1-related condition. Last evaluated: 2023-06-26. Review status: no assertion criteria provided. Collection method: clinical testing. Allele origin: germline.
Comment: This variant is classified as likely benign based on ACMG/AMP sequence variant interpretation guidelines (Richards et al. 2015 PMID: 25741868, with internal and published modifications).

NM_000218.3(KCNQ1):c.1514+8226G>A

Genes: KCNQ1 (potassium voltage-gated channel subfamily Q member 1; plus strand), KCNQ1OT1 (KCNQ1 opposite strand/antisense transcript 1; minus strand). Cytogenetic location: 11p15.5.
Variant type: single nucleotide variant.
Coding change: c.1514+8226G>A on transcript NM_000218.3 (MANE Select); 8226 bases into the intron after coding-DNA position 1514, G replaced by A.
Molecular consequence: intron variant. On other transcripts: non-coding transcript variant (1).
Genome position (GRCh38, 1-based): chr11:2,670,307, G>A. VCF-style: chr11-2670307-G-A. GRCh37 (hg19) VCF-style: chr11-2691537-G-A.
Other names: c.1244+8226G>A (NM_001406837.1); c.1418+8226G>A (NM_001406836.1); c.974+8226G>A (NM_001406838.1); c.1133+8226G>A (NM_181798.2).
Identifiers: ClinVar variation 3045436 (VCV003045436.2), dbSNP rs1254685095, ClinGen allele CA472769244.